The following is an entry in ClinVar:

ClinVar aggregate classification (germline): Likely benign. Review status: reviewed by expert panel (3 of 4 stars). 3 submissions from 3 submitters: Likely benign (1). 2 of the submissions do not count toward it. Last evaluated 2022-05-18.

Conditions:
Hereditary cancer-predisposing syndrome. Also called: Hereditary Cancer Syndrome; Neoplastic Syndromes, Hereditary; Hereditary neoplastic syndrome; Tumor predisposition. Identifiers: Orphanet 140162, MedGen C0027672, MeSH D009386, MONDO:0015356.
DICER1-related tumor predisposition. Also called: DICER1-related pleuropulmonary blastoma cancer predisposition syndrome; DICER1 syndrome. Identifiers: Orphanet 284343, MedGen C3839822, MONDO:0100216.

gnomAD v4.1: 1 of 1,614,104 alleles (0.000062%); highest among the groups gnomAD compares: African/African-American, 0.0013%; no homozygotes.

Submissions (3):

ClinGen DICER1 and miRNA-Processing Gene Variant Curation Expert Panel, ClinGen
Classification: Likely benign for DICER1-related tumor predisposition. Last evaluated: 2022-05-18. Review status: reviewed by expert panel. Criteria: ClinGen DICER1 ACMG Specifications DICER1 v1. Collection method: curation. Allele origin: germline. Inheritance: Autosomal dominant inheritance.
Comment: The NM_177438.2:c.1907+3A>T variant in DICER1 is an intronic variant located in exon 11. The results from 2 in silico splicing predictors [MaxEntScan, SpliceAI] do not agree, supporting neither a deleterious nor benign impact on splicing. The variant is absent from gnomAD v2.1.1 and v3.1.1 (non-cancer) (PM2_Supporting). To our knowledge, this variant has not been reported in the literature in any individuals with DICER1 syndrome. Sequencing of RNA from 3 patients showed that this variant does not affect splicing, indicating that this variant is unlikely to impact protein function (BS3; Internal contributor GTR: 61756). In summary, this variant meets the criteria to be classified as LIKELY BENIGN for DICER1 syndrome. Although there are both pathogenic and benign types of evidence for this variant, the pathogenic evidence is not considered inconsistent with the final classification. ACMG/AMP criteria applied, as specified by the ClinGen DICER1 VCEP: BS3, PM2_Supporting. (Bayesian Points: -3; VCEP specifications version 1; 02/11/2022)

Labcorp Genetics (formerly Invitae), Labcorp
Classification: Uncertain significance for DICER1-related tumor predisposition. Last evaluated: 2025-06-27. Review status: criteria provided, single submitter. Criteria: Invitae Variant Classification Sherloc (09022015). Collection method: clinical testing. Allele origin: germline. Not counted in ClinVar's aggregate classification.
Comment: This sequence change falls in intron 11 of the DICER1 gene. It does not directly change the encoded amino acid sequence of the DICER1 protein. It affects a nucleotide within the consensus splice site. This variant is not present in population databases (gnomAD no frequency). This variant has not been reported in the literature in individuals affected with DICER1-related conditions. ClinVar contains an entry for this variant (Variation ID: 820285). Variants that disrupt the consensus splice site are a relatively common cause of aberrant splicing (PMID: 17576681, 9536098). Algorithms developed to predict the effect of sequence changes on RNA splicing suggest that this variant is not likely to affect RNA splicing. In summary, the available evidence is currently insufficient to determine the role of this variant in disease. Therefore, it has been classified as a Variant of Uncertain Significance.

Ambry Genetics
Classification: Likely benign for Hereditary cancer-predisposing syndrome. Last evaluated: 2020-01-07. Review status: criteria provided, single submitter. Criteria: Ambry Variant Classification Scheme 2023. Collection method: clinical testing. Allele origin: germline. Not counted in ClinVar's aggregate classification.

Literature cited by the submitters: PubMed 17576681 (cited by Labcorp Genetics (formerly Invitae), Labcorp); PubMed 9536098 (cited by Labcorp Genetics (formerly Invitae), Labcorp).

NM_177438.3(DICER1):c.1907+3A>T

Gene: DICER1 (dicer 1, ribonuclease III; minus strand). Cytogenetic location: 14q32.13.
Variant type: single nucleotide variant.
Coding change: c.1907+3A>T on transcript NM_177438.3 (MANE Select); 3 bases into the intron after coding-DNA position 1907, A replaced by T.
Molecular consequence: intron variant.
Genome position (GRCh38, 1-based): chr14:95,115,664, T>A on the plus strand (A>T on the coding strand, the complement: DICER1 is on the minus strand). VCF-style: chr14-95115664-T-A. GRCh37 (hg19) VCF-style: chr14-95582001-T-A.
Other names: c.1907+3A>T (NM_001291628.2, NM_030621.4, NM_001271282.3 and 1 more transcripts).
Identifiers: ClinVar variation 820285 (VCV000820285.12), dbSNP rs759764582, ClinGen allele CA915946406.
Genomic context (GRCh38, chr14:95,115,664, plus strand): 5'-CAGGTTTAGACTTAAACTGTGCAACATTCCCAGGTTTTCCACACAAATGATATGATGCCA[T>A]ACCTATTGATGTGTCCAATGGCCGTGTTGATTGTGACTCGTGGACCACCATCGTCAGGCC-3'